The following is an entry in ClinVar:

NM_001292063.2(OTOG):c.3109C>T (p.Leu1037Phe)

Gene: OTOG (otogelin; plus strand). Cytogenetic location: 11p15.1.
Variant type: single nucleotide variant.
Coding change: c.3109C>T on transcript NM_001292063.2 (MANE Select); coding-DNA position 3109, C replaced by T.
Protein change: p.Leu1037Phe; replaces leucine 1037 with phenylalanine.
Molecular consequence: missense variant.
Genome position (GRCh38, 1-based): chr11:17,593,295, C>T. VCF-style: chr11-17593295-C-T. GRCh37 (hg19) VCF-style: chr11-17614842-C-T.
Other names: c.3145C>T, p.Leu1049Phe (NM_001277269.2); short protein forms L1037F, L1049F.
Identifiers: ClinVar variation 1308180 (VCV001308180.10), dbSNP rs866755719, ClinGen allele CA218460013.

ClinVar aggregate classification (germline): Uncertain significance. Review status: criteria provided, multiple submitters, no conflicts (2 of 4 stars). 2 submissions from 2 submitters: Uncertain significance (2). Last evaluated 2024-01-04.

Allele frequency attached by ClinVar (database versions not stated): gnomAD 0.00001; gnomAD exomes 0.00002.
gnomAD v4.1: 38 of 1,550,514 alleles (0.0025%); highest among the groups gnomAD compares: Middle Eastern, 0.38%; 2 homozygotes.

Submissions (2):

GeneDx
Classification: Uncertain significance. Last evaluated: 2024-01-04. Review status: criteria provided, single submitter. Criteria: GeneDx Variant Classification Process June 2021. Collection method: clinical testing. Allele origin: germline. Affected: yes.
Comment: Not observed at significant frequency in large population cohorts (gnomAD); In silico analysis supports that this missense variant does not alter protein structure/function; Has not been previously published as pathogenic or benign to our knowledge

Labcorp Genetics (formerly Invitae), Labcorp
Classification: Uncertain significance. Last evaluated: 2022-03-10. Review status: criteria provided, single submitter. Criteria: Invitae Variant Classification Sherloc (09022015). Collection method: clinical testing. Allele origin: germline.
Comment: This variant is not present in population databases (gnomAD no frequency). This sequence change replaces leucine, which is neutral and non-polar, with phenylalanine, which is neutral and non-polar, at codon 1049 of the OTOG protein (p.Leu1049Phe). This variant has not been reported in the literature in individuals affected with OTOG-related conditions. In summary, the available evidence is currently insufficient to determine the role of this variant in disease. Therefore, it has been classified as a Variant of Uncertain Significance. Algorithms developed to predict the effect of missense changes on protein structure and function output the following: SIFT: "Deleterious"; PolyPhen-2: "Benign"; Align-GVGD: "Class C0". The phenylalanine amino acid residue is found in multiple mammalian species, which suggests that this missense change does not adversely affect protein function. ClinVar contains an entry for this variant (Variation ID: 1308180).